The following is an entry in ClinVar:

ClinVar aggregate classification (germline): Uncertain significance (1 of 4 stars; one submission).

Conditions:
Inborn genetic diseases. Identifiers: MedGen C0950123, MeSH D030342.

gnomAD v4.1: 2 of 1,613,830 alleles (0.00012%); highest among the groups gnomAD compares: South Asian, 0.0011%; no homozygotes.

Submission:

Ambry Genetics
Classification: Uncertain significance for Inborn genetic diseases. Last evaluated: 2024-11-28. Review status: criteria provided, single submitter. Criteria: Ambry Variant Classification Scheme 2023. Collection method: clinical testing. Allele origin: germline.
Comment: The p.C305G variant (also known as c.913T>G), located in coding exon 3 of the SH2B3 gene, results from a T to G substitution at nucleotide position 913. The cysteine at codon 305 is replaced by glycine, an amino acid with highly dissimilar properties. This amino acid position is conserved. In addition, this alteration is predicted to be tolerated by in silico analysis. Based on the available evidence, the clinical significance of this variant remains unclear.

NM_005475.3(SH2B3):c.913T>G (p.Cys305Gly)

Gene: SH2B3 (SH2B adaptor protein 3; plus strand). Cytogenetic location: 12q24.12.
Variant type: single nucleotide variant.
Coding change: c.913T>G on transcript NM_005475.3 (MANE Select); coding-DNA position 913, T replaced by G.
Protein change: p.Cys305Gly; replaces cysteine 305 with glycine.
Molecular consequence: missense variant.
Genome position (GRCh38, 1-based): chr12:111,447,020, T>G. VCF-style: chr12-111447020-T-G. GRCh37 (hg19) VCF-style: chr12-111884824-T-G.
Other names: c.307T>G, p.Cys103Gly (NM_001291424.1); short protein forms C305G, C103G.
Identifiers: ClinVar variation 3440811 (VCV003440811.1).
Genomic context (GRCh38, chr12:111,447,020, plus strand): 5'-ATCATCTTTGAGGTGGGAGACGAGCAGCAGCTGAATTCATGGATGGCTGAGCTCTCGGAG[T>G]GCACAGGCCGAGGGTGAGGTCCTGGGCCCTCGTCCCTGGCACCACCTTTGCTGCTACCAC-3'
Protein context (NP_005466.1, residues 295-315): LNSWMAELSE[Cys305Gly]TGRGLESTEA